The following is an entry in ClinVar:

NM_001165963.4(SCN1A):c.5927C>T (p.Thr1976Ile)

Genes: SCN1A (sodium voltage-gated channel alpha subunit 1; minus strand), LOC102724058 (uncharacterized LOC102724058; plus strand). Cytogenetic location: 2q24.3.
Variant type: single nucleotide variant.
Coding change: c.5927C>T on transcript NM_001165963.4 (MANE Select); coding-DNA position 5927, C replaced by T.
Protein change: p.Thr1976Ile; replaces threonine 1976 with isoleucine.
Molecular consequence: missense variant. On other transcripts: non-coding transcript variant (1).
Genome position (GRCh38, 1-based): chr2:165,991,348, G>A on the plus strand (C>T on the coding strand, the complement: SCN1A is on the minus strand). VCF-style: chr2-165991348-G-A. GRCh37 (hg19) VCF-style: chr2-166847858-G-A.
Other names: c.5843C>T, p.Thr1948Ile (NM_001165964.3, NM_001353957.2, NM_001353958.2); c.5927C>T, p.Thr1976Ile (NM_001202435.3, NM_001353948.2); c.5894C>T, p.Thr1965Ile (NM_001353949.2, NM_001353950.2, NM_001353951.2 and 2 more transcripts); c.5891C>T, p.Thr1964Ile (NM_001353954.2, NM_001353955.2); c.5840C>T, p.Thr1947Ile (NM_001353960.2); c.3485C>T, p.Thr1162Ile (NM_001353961.2); short protein forms T1162I, T1947I, T1948I, T1964I, T1965I, T1976I.
Identifiers: ClinVar variation 3360650 (VCV003360650.1).
Genomic context (GRCh38, chr2:165,991,348, plus strand): 5'-TTTTCCACAATTGGCTTTGTCACCCGGTCATAGGAAGGTGGACAAGCTGCAGTGGACATG[G>A]TCAGATCAGTTTTTTCTGTAATAGAGTTTTCATTTATTCTGTCAATTATCATGTCTTCTT-3'
Protein context (NP_001159435.1, residues 1966-1986): ENSITEKTDL[Thr1976Ile]MSTAACPPSY

ClinVar aggregate classification (germline): Uncertain significance (1 of 4 stars; one submission).

Submission:

GeneDx
Classification: Uncertain significance. Last evaluated: 2023-07-07. Review status: criteria provided, single submitter. Criteria: GeneDx Variant Classification Process June 2021. Collection method: clinical testing. Allele origin: germline. Affected: yes.
Comment: Not observed at significant frequency in large population cohorts (gnomAD); Missense variants in this gene are often considered pathogenic (HGMD); In silico analysis supports that this missense variant has a deleterious effect on protein structure/function; Has not been previously published as pathogenic or benign to our knowledge; This substitution is predicted to be within the C-terminal cytoplasmic domain